The following is an entry in ClinVar:

NM_002691.4(POLD1):c.202+2_202+4del

Gene: POLD1 (DNA polymerase delta 1, catalytic subunit; plus strand). Cytogenetic location: 19q13.33.
Variant type: Deletion.
Coding change: c.202+2_202+4del on transcript NM_002691.4 (MANE Select); the canonical splice donor site of the intron after coding-DNA position 202 through 4 bases into the intron after coding-DNA position 202, 3 bases deleted (TAA; older notation c.202+2_202+4delTAA).
Molecular consequence: splice donor variant.
Genome position (GRCh38, 1-based): chr19:50,399,055-50,399,057, TAA deleted. VCF-style (leftmost placement, unchanged base first): chr19-50399054-GTAA-G. GRCh37 (hg19) VCF-style: chr19-50902311-GTAA-G.
Other names: c.202+2_202+4del (LRG_785t1, LRG_785t2, NM_001256849.1 and 1 more transcripts).
Identifiers: ClinVar variation 658236 (VCV000658236.8), dbSNP rs1601189612, ClinGen allele CA915951907.

ClinVar aggregate classification (germline): Uncertain significance (1 of 4 stars; one submission).

Conditions:
POLD1-related polyposis and colorectal cancer syndrome (CRCS10). Also called: Colorectal cancer, susceptibility to, 10; Colorectal cancer 10; COLORECTAL CANCER, SUSCEPTIBILITY TO, ON CHROMOSOME 19q. Identifiers: Orphanet 220460, MedGen C2675481, MONDO:0012953, OMIM 612591.

Submission:

Labcorp Genetics (formerly Invitae), Labcorp
Classification: Uncertain significance for POLD1-related polyposis and colorectal cancer syndrome. Last evaluated: 2018-10-01. Review status: criteria provided, single submitter. Criteria: Invitae Variant Classification Sherloc (09022015). Collection method: clinical testing. Allele origin: germline.
Comment: Missense variants that disrupt the 3'-5' exonuclease (proof-reading) activity of the POLD1 protein, while not abolishing its polymerase enzyme activity, are associated with an increased risk for colonic adenomatous polyps and colon cancer (PMID: 23263490, 23447401). Loss-of-function variants, which result in an absent or severely disrupted POLD1 protein, are therefore unlikely to be associated with disease. Without further clinical and genetic evidence, however, this variant has been classified as a Variant of Uncertain Significance. Algorithms developed to predict the effect of sequence changes on RNA splicing suggest that this variant may disrupt the consensus splice site, but this prediction has not been confirmed by published transcriptional studies. This variant has not been reported in the literature in individuals with POLD1-related disease. This variant is not present in population databases (ExAC no frequency). This sequence change affects a donor splice site in intron 2 of the POLD1 gene. It is expected to disrupt RNA splicing and likely results in an absent or disrupted protein product.

Literature cited by the submitters: PubMed 23263490; PubMed 23447401.